The following is an entry in ClinVar:

NM_001042492.3(NF1):c.2032C>A (p.Pro678Thr)

Gene: NF1 (neurofibromin 1; plus strand). Cytogenetic location: 17q11.2.
Variant type: single nucleotide variant.
Coding change: c.2032C>A on transcript NM_001042492.3 (MANE Select); coding-DNA position 2032, C replaced by A.
Protein change: p.Pro678Thr; replaces proline 678 with threonine.
Molecular consequence: missense variant.
Genome position (GRCh38, 1-based): chr17:31,226,465, C>A. VCF-style: chr17-31226465-C-A. GRCh37 (hg19) VCF-style: chr17-29553483-C-A.
Other names: c.2032C>A, p.Pro678Thr (NM_000267.4); short protein forms P678T.
Identifiers: ClinVar variation 186638 (VCV000186638.17), dbSNP rs758691069, ClinGen allele CA195401.
Genomic context (GRCh38, chr17:31,226,465, plus strand): 5'-AAATATATGTCTTCCACCCTTGACTCTCAGGATAGTGCAGCAGGATGCAGCGGAACCCCC[C>A]CGATTTGCCGACAAGCCCAGACCAAACTAGAAGTGGCCCTGTACATGTTTCTGTGGAACC-3'
Protein context (NP_001035957.1, residues 668-688): DSAAGCSGTP[Pro678Thr]ICRQAQTKLE

ClinVar aggregate classification (germline): Conflicting classifications of pathogenicity. Review status: criteria provided, conflicting classifications (1 of 4 stars). 6 submissions from 5 submitters: Uncertain significance (4); Benign (1); Likely benign (1). Last evaluated 2025-11-22.

Conditions:
Hereditary cancer-predisposing syndrome. Also called: Hereditary Cancer Syndrome; Neoplastic Syndromes, Hereditary; Tumor predisposition; Hereditary neoplastic syndrome. Identifiers: Orphanet 140162, MedGen C0027672, MeSH D009386, MONDO:0015356.
Cardiovascular phenotype. Identifiers: MedGen CN230736.
Neurofibromatosis, type 1 (NF1). Also called: NEUROFIBROMATOSIS, TYPE I, SOMATIC; VON RECKLINGHAUSEN DISEASE; Peripheral type neurofibromatosis; Neurofibromatosis, type I. Identifiers: Orphanet 636, MedGen C0027831, MONDO:0018975, OMIM 162200. Disease mechanism: loss of function.

Allele frequency attached by ClinVar (database versions not stated): TOPMed 0.00003.
gnomAD v4.1: 22 of 1,613,608 alleles (0.0014%); highest among the groups gnomAD compares: Middle Eastern, 0.016%; no homozygotes.

Submissions (6):

Labcorp Genetics (formerly Invitae), Labcorp
Classification: Benign for Neurofibromatosis, type 1. Last evaluated: 2025-11-22. Review status: criteria provided, single submitter. Criteria: Invitae Variant Classification Sherloc (09022015). Collection method: clinical testing. Allele origin: germline.

Mendelics
Classification: Likely benign for Neurofibromatosis, type 1. Last evaluated: 2025-06-23. Review status: criteria provided, single submitter. Criteria: ACMG Guidelines, 2015. Collection method: clinical testing. Allele origin: unknown.
Comment: This variant is considered likely benign or benign based on one or more of the following: it is predicted to be benign by multiple in silico algorithms, and/or has population frequency not consistent with disease, and/or has normal protein function, and/or has lack of segregation with disease, and/or has been detected in co-occurrence with known pathogenic variant, and/or has lack of disease association in case-control studies, and/or is located in a region inconsistent with a known cause of pathogenicity.

Quest Diagnostics Nichols Institute San Juan Capistrano
Classification: Uncertain significance. Last evaluated: 2025-01-15. Review status: criteria provided, single submitter. Criteria: Quest Diagnostics criteria. Collection method: clinical testing. Allele origin: unknown.

Genome-Nilou Lab
Classification: Uncertain significance for Neurofibromatosis, type 1. Last evaluated: 2022-03-15. Review status: criteria provided, single submitter. Criteria: ACMG Guidelines, 2015. Collection method: clinical testing. Allele origin: germline. Affected: no.

Ambry Genetics
Classification: Uncertain significance for Cardiovascular phenotype; Hereditary cancer-predisposing syndrome. Last evaluated: 2020-11-09. Review status: criteria provided, single submitter. Criteria: Ambry Variant Classification Scheme 2023. Collection method: clinical testing. Allele origin: germline.

Ambry Genetics
Classification: Uncertain significance for Hereditary cancer-predisposing syndrome. Last evaluated: 2015-08-23. Review status: criteria provided, single submitter. Criteria: Ambry Autosomal Dominant and X-Linked criteria (10/2015). Collection method: clinical testing. Allele origin: germline. Observed: 1 variant allele.
Comment: The p.P678T variant (also known as c.2032C>A), located in coding exon 18 of the NF1 gene, results from a C to A substitution at nucleotide position 2032. The proline at codon 678 is replaced by threonine, an amino acid with highly similar properties. This variant was not reported in population based cohorts in the following databases: Database of Single Nucleotide Polymorphisms (dbSNP), NHLBI Exome Sequencing Project (ESP), and 1000 Genomes Project. In the ESP, this variant was not observed in 6503 samples (13006 alleles) with coverage at this position. To date, this alteration has been detected with an allele frequency of approximately 0.01% (greater than 55000 alleles tested) in our clinical cohort. This amino acid position is highly conserved in available vertebrate species. In addition, this alteration is predicted to be tolerated by in silico analysis. Since supporting evidence is limited at this time, the clinical significance of p.P678T remains unclear.